The following is an entry in ClinVar:

NM_000535.7(PMS2):c.396A>C (p.Gly132=)

Gene: PMS2 (PMS1 homolog 2, mismatch repair system component; minus strand). Cytogenetic location: 7p22.1.
Variant type: single nucleotide variant.
Coding change: c.396A>C on transcript NM_000535.7 (MANE Select); coding-DNA position 396, A replaced by C.
Protein change: p.Gly132=; no amino-acid change (glycine 132 retained).
Molecular consequence: synonymous variant. On other transcripts: 5 prime UTR variant (8), non-coding transcript variant (1).
Genome position (GRCh38, 1-based): chr7:6,002,594, T>G on the plus strand (A>C on the coding strand, the complement: PMS2 is on the minus strand). VCF-style: chr7-6002594-T-G. GRCh37 (hg19) VCF-style: chr7-6042225-T-G.
Other names: c.-10A>C (NM_001322003.2, NM_001322004.2, NM_001322005.2 and 3 more transcripts); c.396A>C, p.Gly132= (NM_001322006.2, NM_001322014.2); c.78A>C, p.Gly26= (NM_001322007.2, NM_001322008.2); c.-489A>C (NM_001322011.2, NM_001322012.2); c.87A>C, p.Gly29= (NM_001322015.2).
Identifiers: ClinVar variation 486054 (VCV000486054.15), dbSNP rs786201073, ClinGen allele CA453647705.
Genomic context (GRCh38, chr7:6,002,594, plus strand): 5'-GGGGCGGGGGTAGGGGGTTTTCTGGATAATTTTCCCATTGTGATCAAACATCAGTCGAGT[T>G]CCAACCTTCGCCGATGCGTGGCAGGTAGAAATGGTGACATCGCTGTGAGAGAATACCAGG-3'
Protein context (NP_000526.2, residues 122-142): ISTCHASAKV[Gly132=]TRLMFDHNGK

ClinVar aggregate classification (germline): Benign/Likely benign. Review status: criteria provided, multiple submitters, no conflicts (2 of 4 stars). 4 submissions from 4 submitters: Benign (1); Likely benign (3). Last evaluated 2025-06-04.

Conditions:
Hereditary nonpolyposis colorectal neoplasms. Identifiers: MedGen C0009405, MeSH D003123.
Hereditary cancer-predisposing syndrome. Also called: Tumor predisposition; Hereditary Cancer Syndrome; Hereditary neoplastic syndrome; Neoplastic Syndromes, Hereditary. Identifiers: Orphanet 140162, MedGen C0027672, MeSH D009386, MONDO:0015356.
Lynch syndrome 4 (LYNCH4). Also called: Colorectal cancer, hereditary nonpolyposis, type 4; Hereditary non-polyposis colorectal cancer, type 4. Identifiers: Orphanet 144, MedGen C1838333, MONDO:0013699, OMIM 614337. Disease mechanism: loss of function.

Allele frequency attached by ClinVar (database versions not stated): gnomAD exomes below 0.00001.
gnomAD v4.1: 1 of 1,611,970 alleles (0.000062%); highest among the groups gnomAD compares: African/African-American, 0.0013%; no homozygotes.

Submissions (4):

Labcorp Genetics (formerly Invitae), Labcorp
Classification: Likely benign for Hereditary nonpolyposis colorectal neoplasms. Last evaluated: 2025-06-04. Review status: criteria provided, single submitter. Criteria: Invitae Variant Classification Sherloc (09022015). Collection method: clinical testing. Allele origin: germline.

Myriad Genetics, Inc.
Classification: Benign for Lynch syndrome 4. Last evaluated: 2025-01-24. Review status: criteria provided, single submitter. Criteria: Myriad Autosomal Dominant, Autosomal Recessive and X-Linked Classification Criteria (2023). Collection method: clinical testing. Allele origin: unknown.
Comment: This variant is considered benign. This variant is a silent/synonymous amino acid change and it is not expected to impact splicing.

Sema4
Classification: Likely benign for Hereditary cancer-predisposing syndrome. Last evaluated: 2022-02-04. Review status: criteria provided, single submitter. Criteria: Sema4 Curation Guidelines. Collection method: curation. Allele origin: germline.

Ambry Genetics
Classification: Likely benign for Hereditary cancer-predisposing syndrome. Last evaluated: 2017-04-13. Review status: criteria provided, single submitter. Criteria: Ambry Variant Classification Scheme 2023. Collection method: clinical testing. Allele origin: germline.